The following is an entry in ClinVar:

ClinVar aggregate classification (germline): Likely benign. Review status: criteria provided, multiple submitters, no conflicts (2 of 4 stars). 3 submissions from 3 submitters: Likely benign (3). Last evaluated 2025-02-03.

Conditions:
Hereditary nonpolyposis colorectal neoplasms. Identifiers: MedGen C0009405, MeSH D003123.
Lynch syndrome 4 (LYNCH4). Also called: Colorectal cancer, hereditary nonpolyposis, type 4; Hereditary non-polyposis colorectal cancer, type 4. Identifiers: Orphanet 144, MedGen C1838333, MONDO:0013699, OMIM 614337. Disease mechanism: loss of function.
Hereditary cancer-predisposing syndrome. Also called: Hereditary Cancer Syndrome; Neoplastic Syndromes, Hereditary; Hereditary neoplastic syndrome; Tumor predisposition. Identifiers: Orphanet 140162, MedGen C0027672, MeSH D009386, MONDO:0015356.

Submissions (3):

Myriad Genetics, Inc.
Classification: Likely benign for Lynch syndrome 4. Last evaluated: 2025-02-03. Review status: criteria provided, single submitter. Criteria: Myriad Autosomal Dominant, Autosomal Recessive and X-Linked Classification Criteria (2023). Collection method: clinical testing. Allele origin: unknown.
Comment: This variant is considered likely benign. This variant is intronic and is not expected to impact mRNA splicing.

Color Diagnostics, LLC DBA Color Health
Classification: Likely benign for Hereditary cancer-predisposing syndrome. Last evaluated: 2024-03-11. Review status: criteria provided, single submitter. Criteria: ACMG Guidelines, 2015. Collection method: clinical testing. Allele origin: germline.

Labcorp Genetics (formerly Invitae), Labcorp
Classification: Likely benign for Hereditary nonpolyposis colorectal neoplasms. Last evaluated: 2024-02-17. Review status: criteria provided, single submitter. Criteria: Invitae Variant Classification Sherloc (09022015). Collection method: clinical testing. Allele origin: germline.

NM_000535.7(PMS2):c.2175-14T>C

Gene: PMS2 (PMS1 homolog 2, mismatch repair system component; minus strand). Cytogenetic location: 7p22.1.
Variant type: single nucleotide variant.
Coding change: c.2175-14T>C on transcript NM_000535.7 (MANE Select); 14 bases into the intron before coding-DNA position 2175, T replaced by C.
Molecular consequence: intron variant.
Genome position (GRCh38, 1-based): chr7:5,978,710, A>G on the plus strand (T>C on the coding strand, the complement: PMS2 is on the minus strand). VCF-style: chr7-5978710-A-G. GRCh37 (hg19) VCF-style: chr7-6018341-A-G.
Other names: c.1857-14T>C (NM_001322008.2, NM_001406883.1, NM_001322007.2 and 1 more transcripts); c.1866-14T>C (NM_001406881.1, NM_001406879.1, NM_001322015.2 and 5 more transcripts); c.1770-14T>C (NM_001406895.1, NM_001322004.2, NM_001406889.1 and 14 more transcripts); c.1404-14T>C (NM_001406911.1); c.1614-14T>C (NM_001322010.2, NM_001406906.1, NM_001406907.1); c.1701-14T>C (NM_001406902.1, NM_001406901.1); c.1662-14T>C (NM_001406904.1, NM_001406905.1); c.1602-14T>C (NM_001322013.2, NM_001406908.1, NM_001406909.1); and 16 more.
Identifiers: ClinVar variation 2738960 (VCV002738960.5), dbSNP rs2535402806, ClinGen allele CA2697553870.